The following is an entry in ClinVar:

NM_025074.7(FRAS1):c.11056C>T (p.Leu3686=)

Genes: FRAS1 (Fraser extracellular matrix complex subunit 1; plus strand), LOC126807089 (CDK7 strongly-dependent group 2 enhancer GRCh37_chr4:79455131-79456330; plus strand). Cytogenetic location: 4q21.21.
Variant type: single nucleotide variant.
Coding change: c.11056C>T on transcript NM_025074.7 (MANE Select); coding-DNA position 11056, C replaced by T.
Protein change: p.Leu3686=; no amino-acid change (leucine 3686 retained).
Molecular consequence: synonymous variant.
Genome position (GRCh38, 1-based): chr4:78,534,579, C>T. VCF-style: chr4-78534579-C-T. GRCh37 (hg19) VCF-style: chr4-79455733-C-T.
Other names: p.Leu3686=.
Identifiers: ClinVar variation 261802 (VCV000261802.19), dbSNP rs4975139, ClinGen allele CA2979124.

ClinVar aggregate classification (germline): Benign. Review status: criteria provided, multiple submitters, no conflicts (2 of 4 stars). 10 submissions from 10 submitters: Benign (8). 2 of the submissions do not count toward it. Last evaluated 2026-02-04.

Conditions:
Fraser syndrome 1 (FRASRS1). Also called: CRYPTOPHTHALMOS WITH OTHER MALFORMATIONS. Identifiers: Orphanet 2052, MedGen C4551480, MONDO:0054737, OMIM 219000.

Allele frequency attached by ClinVar (database versions not stated): gnomAD 0.42041 and 0.43389; TOPMed 0.43055; ExAC 0.48842; gnomAD exomes 0.49021; 1000 Genomes Project 30x 0.50500; 1000 Genomes Project 0.51498; ESP Exome Variant Server 0.40517.
gnomAD v4.1: 732,074 of 1,607,578 alleles (46%); highest among the groups gnomAD compares: East Asian, 78%; 173,554 homozygotes.

Submissions (10):

Labcorp Genetics (formerly Invitae), Labcorp
Classification: Benign. Last evaluated: 2026-02-04. Review status: criteria provided, single submitter. Criteria: Invitae Variant Classification Sherloc (09022015). Collection method: clinical testing. Allele origin: germline.

Blueprint Genetics
Classification: Benign. Last evaluated: 2024-11-26. Review status: criteria provided, single submitter. Criteria: ACMG Guidelines, 2015. Collection method: clinical testing. Allele origin: germline.

Mayo Clinic Laboratories, Mayo Clinic
Classification: Benign. Last evaluated: 2022-03-09. Review status: criteria provided, single submitter. Criteria: ACMG Guidelines, 2015. Collection method: clinical testing. Allele origin: germline. Observed: 55 variant alleles.

Genome-Nilou Lab
Classification: Benign for Fraser syndrome 1. Last evaluated: 2021-08-10. Review status: criteria provided, single submitter. Criteria: ACMG Guidelines, 2015. Collection method: clinical testing. Allele origin: germline. Affected: no.

GeneDx
Classification: Benign. Last evaluated: 2020-07-06. Review status: criteria provided, single submitter. Criteria: GeneDx Variant Classification Process June 2021. Collection method: clinical testing. Allele origin: germline. Affected: yes.

Illumina Laboratory Services, Illumina
Classification: Benign for Fraser syndrome 1. Last evaluated: 2018-01-12. Review status: criteria provided, single submitter. Criteria: ICSL Variant Classification Criteria 13 December 2019. Collection method: clinical testing. Allele origin: germline.
Comment: This variant was observed in the ICSL laboratory as part of a predisposition screen in an ostensibly healthy population. It had not been previously curated by ICSL or reported in the Human Gene Mutation Database (HGMD: prior to June 1st, 2018), and was therefore a candidate for classification through an automated scoring system. Utilizing variant allele frequency, disease prevalence and penetrance estimates, and inheritance mode, an automated score was calculated to assess if this variant is too frequent to cause the disease. Based on the score and internal cut-off values, a variant classified as benign is not then subjected to further curation. The score for this variant resulted in a classification of benign for this disease.

Breakthrough Genomics
Classification: Benign. Review status: criteria provided, single submitter. Criteria: ACMG Guidelines, 2015. Collection method: not provided. Allele origin: germline. Inheritance: Autosomal recessive inheritance. Affected: yes.

PreventionGenetics, part of Exact Sciences
Classification: Benign. Review status: criteria provided, single submitter. Criteria: ACMG Guidelines, 2015. Collection method: clinical testing. Allele origin: germline.

Diagnostic Laboratory, Department of Genetics, University Medical Center Groningen
Classification: Benign for Fraser syndrome 1. Review status: no assertion criteria provided. Collection method: clinical testing. Allele origin: germline. Affected: yes. Study: VKGL Data-share Consensus. Not counted in ClinVar's aggregate classification.

Genome Diagnostics Laboratory, University Medical Center Utrecht
Classification: Benign. Review status: no assertion criteria provided. Collection method: clinical testing. Allele origin: germline. Affected: yes. Study: VKGL Data-share Consensus. Not counted in ClinVar's aggregate classification.